The following is an entry in ClinVar:

NM_001122630.2(CDKN1C):c.568G>A (p.Ala190Thr)

Gene: CDKN1C (cyclin dependent kinase inhibitor 1C; minus strand). Cytogenetic location: 11p15.4.
Variant type: single nucleotide variant.
Coding change: c.568G>A on transcript NM_001122630.2 (MANE Select); coding-DNA position 568, G replaced by A.
Protein change: p.Ala190Thr; replaces alanine 190 with threonine.
Molecular consequence: missense variant. On other transcripts: intron variant (1).
Genome position (GRCh38, 1-based): chr11:2,884,889, C>T on the plus strand (G>A on the coding strand, the complement: CDKN1C is on the minus strand). VCF-style: chr11-2884889-C-T. GRCh37 (hg19) VCF-style: chr11-2906119-C-T.
Other names: c.601G>A, p.Ala201Thr (NM_000076.2, NM_001362474.2); c.568G>A, p.Ala190Thr (NM_001122631.2); c.255+313G>A (NM_001362475.2); short protein forms A190T, A201T.
Identifiers: ClinVar variation 1491717 (VCV001491717.8), dbSNP rs2133783351, ClinGen allele CA379146352.
Genomic context (GRCh38, chr11:2,884,889, plus strand): 5'-GAGGCGCCGCGTCCGGGGCCGGGGCCGGGGCGGGGGCCGGGGCCGGGGCCGGGGCCGGGG[C>T]TGGGGCCGGGGCCGCGACTGGAGCCGGGGCCGGAGCCGGAGCCGGAGCCGGGGCCGGGGC-3'
Protein context (NP_001116102.1, residues 180-200): APAPVAAPAP[Ala190Thr]PAPAPAPAPA

ClinVar aggregate classification (germline): Uncertain significance (1 of 4 stars; one submission).

Conditions:
Beckwith-Wiedemann syndrome (BWS). Also called: Exomphalos macroglossia gigantism syndrome; EMG SYNDROME. Identifiers: Orphanet 116, MedGen C0004903, MONDO:0007534, OMIM 130650.

Submission:

Labcorp Genetics (formerly Invitae), Labcorp
Classification: Uncertain significance for Beckwith-Wiedemann syndrome. Last evaluated: 2022-03-08. Review status: criteria provided, single submitter. Criteria: Invitae Variant Classification Sherloc (09022015). Collection method: clinical testing. Allele origin: germline.
Comment: This sequence change replaces alanine, which is neutral and non-polar, with threonine, which is neutral and polar, at codon 201 of the CDKN1C protein (p.Ala201Thr). The frequency data for this variant in the population databases is considered unreliable, as metrics indicate insufficient coverage at this position in the gnomAD database. This variant has not been reported in the literature in individuals affected with CDKN1C-related conditions. Algorithms developed to predict the effect of missense changes on protein structure and function are either unavailable or do not agree on the potential impact of this missense change (SIFT: "Tolerated"; PolyPhen-2: "Not Available"; Align-GVGD: "Class C0"). In summary, the available evidence is currently insufficient to determine the role of this variant in disease. Therefore, it has been classified as a Variant of Uncertain Significance.